The following is an entry in ClinVar:

NM_000038.6(APC):c.2856C>T (p.Ala952=)

Gene: APC (APC regulator of Wnt signaling pathway; plus strand). Cytogenetic location: 5q22.2.
Variant type: single nucleotide variant.
Coding change: c.2856C>T on transcript NM_000038.6 (MANE Select); coding-DNA position 2856, C replaced by T.
Protein change: p.Ala952=; no amino-acid change (alanine 952 retained).
Molecular consequence: synonymous variant. On other transcripts: non-coding transcript variant (2).
Genome position (GRCh38, 1-based): chr5:112,838,450, C>T. VCF-style: chr5-112838450-C-T. GRCh37 (hg19) VCF-style: chr5-112174147-C-T.
Other names: c.2856C>T, p.Ala952= (NM_001127510.3, NM_001354895.2, NM_001407450.1); c.2802C>T, p.Ala934= (NM_001127511.3); c.2910C>T, p.Ala970= (NM_001354896.2, NM_001407447.1, NM_001407448.1 and 1 more transcripts); c.2886C>T, p.Ala962= (NM_001354897.2); c.2781C>T, p.Ala927= (NM_001354898.2); c.2772C>T, p.Ala924= (NM_001354899.2); c.2733C>T, p.Ala911= (NM_001354900.2); c.2679C>T, p.Ala893= (NM_001354901.2, NM_001407453.1); and 11 more.
Identifiers: ClinVar variation 2567042 (VCV002567042.2), dbSNP rs2533454825, ClinGen allele CA445963028.

ClinVar aggregate classification (germline): Benign/Likely benign. Review status: criteria provided, multiple submitters, no conflicts (2 of 4 stars). 2 submissions from 2 submitters: Benign (1); Likely benign (1). Last evaluated 2024-03-15.

Conditions:
Hereditary cancer-predisposing syndrome. Also called: Hereditary neoplastic syndrome; Hereditary Cancer Syndrome; Neoplastic Syndromes, Hereditary; Tumor predisposition. Identifiers: Orphanet 140162, MedGen C0027672, MeSH D009386, MONDO:0015356.
Familial adenomatous polyposis 1 (FAP1). Also called: POLYPOSIS, ADENOMATOUS INTESTINAL; FAMILIAL ADENOMATOUS POLYPOSIS 1, ATTENUATED. Identifiers: MedGen C2713442, MONDO:0021056, OMIM 175100. Disease mechanism: loss of function.

Submissions (2):

Myriad Genetics, Inc.
Classification: Benign for Familial adenomatous polyposis 1. Last evaluated: 2024-03-15. Review status: criteria provided, single submitter. Criteria: Myriad Autosomal Dominant, Autosomal Recessive and X-Linked Classification Criteria (2023). Collection method: clinical testing. Allele origin: unknown.
Comment: This variant is considered benign. This variant is a silent/synonymous amino acid change and it is not expected to impact splicing.

Ambry Genetics
Classification: Likely benign for Hereditary cancer-predisposing syndrome. Last evaluated: 2023-05-15. Review status: criteria provided, single submitter. Criteria: Ambry Variant Classification Scheme 2023. Collection method: clinical testing. Allele origin: germline.